The following is an entry in ClinVar:

NM_033380.3(COL4A5):c.3526G>A (p.Gly1176Arg)

Gene: COL4A5 (collagen type IV alpha 5 chain; plus strand). Cytogenetic location: Xq22.3.
Variant type: single nucleotide variant.
Coding change: c.3526G>A on transcript NM_033380.3 (MANE Select); coding-DNA position 3526, G replaced by A.
Protein change: p.Gly1176Arg; replaces glycine 1176 with arginine.
Molecular consequence: missense variant.
Genome position (GRCh38, 1-based): chrX:108,666,567, G>A. VCF-style: chrX-108666567-G-A. GRCh37 (hg19) VCF-style: chrX-107909797-G-A.
Other names: c.3526G>A, p.Gly1176Arg (NM_000495.5); short protein forms G1176R.
Identifiers: ClinVar variation 2737347 (VCV002737347.3), dbSNP rs1569505525, ClinGen allele CA413847815.
Genomic context (GRCh38, chrX:108,666,567, plus strand): 5'-CATCCTGGGCAACCAGGGCCTCCAGGCGAAAAAGGCAAACCCGGTCAAGATGGTATTCCT[G>A]GACCAGCTGGACAGAAGGGTGAACCAGGTGCTGTAGTTTTTCATTTTTCCTATTTTTCTA-3'
Protein context (NP_203699.1, residues 1166-1186): KGKPGQDGIP[Gly1176Arg]PAGQKGEPGQ

ClinVar aggregate classification (germline): Likely pathogenic (1 of 4 stars; one submission).

Submission:

Labcorp Genetics (formerly Invitae), Labcorp
Classification: Likely pathogenic. Last evaluated: 2023-03-14. Review status: criteria provided, single submitter. Criteria: Invitae Variant Classification Sherloc (09022015). Collection method: clinical testing. Allele origin: germline.
Comment: This missense change has been observed in individual(s) with Alport syndrome (PMID: 22921432). This variant is not present in population databases (gnomAD no frequency). This sequence change replaces glycine, which is neutral and non-polar, with arginine, which is basic and polar, at codon 1176 of the COL4A5 protein (p.Gly1176Arg). In summary, the currently available evidence indicates that the variant is pathogenic, but additional data are needed to prove that conclusively. Therefore, this variant has been classified as Likely Pathogenic. This variant disrupts the p.Gly1176 amino acid residue in COL4A5. Other variant(s) that disrupt this residue have been observed in individuals with COL4A5-related conditions (PMID: 31328266), which suggests that this may be a clinically significant amino acid residue. This variant disrupts the triple helix domain of COL4A5. Glycine residues within the Gly-Xaa-Yaa repeats of the triple helix domain are required for the structure and stability of fibrillar collagens (PMID: 7695699, 8218237, 19344236). In COL4A5, missense variants at these glycine residues are significantly enriched in individuals with disease (PMID: 23720012, 27627812) compared to the general population (ExAC). Advanced modeling of protein sequence and biophysical properties (such as structural, functional, and spatial information, amino acid conservation, physicochemical variation, residue mobility, and thermodynamic stability) performed at Invitae indicates that this missense variant is expected to disrupt COL4A5 protein function.

Literature cited by the submitters: PubMed 22921432; PubMed 31328266; PubMed 7695699; PubMed 8218237; PubMed 19344236; PubMed 23720012; PubMed 27627812.